The following is an entry in ClinVar:

NM_000901.5(NR3C2):c.410T>C (p.Val137Ala)

Gene: NR3C2 (nuclear receptor subfamily 3 group C member 2; minus strand). Cytogenetic location: 4q31.23.
Variant type: single nucleotide variant.
Coding change: c.410T>C on transcript NM_000901.5 (MANE Select); coding-DNA position 410, T replaced by C.
Protein change: p.Val137Ala; replaces valine 137 with alanine.
Molecular consequence: missense variant. On other transcripts: non-coding transcript variant (1).
Genome position (GRCh38, 1-based): chr4:148,436,451, A>G on the plus strand (T>C on the coding strand, the complement: NR3C2 is on the minus strand). VCF-style: chr4-148436451-A-G. GRCh37 (hg19) VCF-style: chr4-149357603-A-G.
Other names: c.410T>C, p.Val137Ala (NM_001166104.2, NM_001354819.1); short protein forms V137A.
Identifiers: ClinVar variation 2633109 (VCV002633109.1), dbSNP rs2531835156, ClinGen allele CA358249621.

ClinVar aggregate classification (germline): Uncertain significance (1 of 4 stars; one submission).

Conditions:
NR3C2-related disorder. Also called: NR3C2-related condition; NR3C2-related disorders.

Submission:

PreventionGenetics, part of Exact Sciences
Classification: Uncertain significance for NR3C2-related condition. Last evaluated: 2023-04-27. Review status: criteria provided, single submitter. Criteria: ACMG Guidelines, 2015. Collection method: clinical testing. Allele origin: germline.
Comment: The NR3C2 c.410T>C variant is predicted to result in the amino acid substitution p.Val137Ala. To our knowledge, this variant has not been reported in the literature or in a large population database, indicating this variant is rare. At this time, the clinical significance of this variant is uncertain due to the absence of conclusive functional and genetic evidence.